The following is an entry in ClinVar:

ClinVar aggregate classification (germline): Uncertain significance (1 of 4 stars; one submission).

Conditions:
Primary ciliary dyskinesia. Also called: Ciliary dyskinesia. Identifiers: Orphanet 244, MedGen C0008780, MONDO:0016575, HP:0012265.

Submission:

Labcorp Genetics (formerly Invitae), Labcorp
Classification: Uncertain significance for Primary ciliary dyskinesia. Last evaluated: 2022-09-06. Review status: criteria provided, single submitter. Criteria: Invitae Variant Classification Sherloc (09022015). Collection method: clinical testing. Allele origin: germline.
Comment: In summary, the available evidence is currently insufficient to determine the role of this variant in disease. Therefore, it has been classified as a Variant of Uncertain Significance. Algorithms developed to predict the effect of missense changes on protein structure and function are either unavailable or do not agree on the potential impact of this missense change (SIFT: "Deleterious"; PolyPhen-2: "Possibly Damaging"; Align-GVGD: "Class C0"). This variant has not been reported in the literature in individuals affected with DNAH5-related conditions. This variant is not present in population databases (gnomAD no frequency). This sequence change replaces threonine, which is neutral and polar, with lysine, which is basic and polar, at codon 3595 of the DNAH5 protein (p.Thr3595Lys).

NM_001369.3(DNAH5):c.10784C>A (p.Thr3595Lys)

Gene: DNAH5 (dynein axonemal heavy chain 5; minus strand). Cytogenetic location: 5p15.2.
Variant type: single nucleotide variant.
Coding change: c.10784C>A on transcript NM_001369.3 (MANE Select); coding-DNA position 10784, C replaced by A.
Protein change: p.Thr3595Lys; replaces threonine 3595 with lysine.
Molecular consequence: missense variant.
Genome position (GRCh38, 1-based): chr5:13,753,321, G>T on the plus strand (C>A on the coding strand, the complement: DNAH5 is on the minus strand). VCF-style: chr5-13753321-G-T. GRCh37 (hg19) VCF-style: chr5-13753430-G-T.
Other names: short protein forms T3595K.
Identifiers: ClinVar variation 2064220 (VCV002064220.4), dbSNP rs886043929, ClinGen allele CA359191245.